The following is an entry in ClinVar:

ClinVar aggregate classification (germline): Uncertain significance (1 of 4 stars; one submission).

Allele frequency attached by ClinVar (database versions not stated): gnomAD exomes below 0.00001; TOPMed below 0.00001.
gnomAD v4.1: 1 of 1,548,514 alleles (0.000065%); highest among the groups gnomAD compares: Non-Finnish European, 0.000087%; no homozygotes.

Submission:

GeneDx
Classification: Uncertain significance. Last evaluated: 2023-02-10. Review status: criteria provided, single submitter. Criteria: GeneDx Variant Classification Process June 2021. Collection method: clinical testing. Allele origin: germline. Affected: yes.
Comment: Not observed at significant frequency in large population cohorts (gnomAD); In silico analysis supports that this missense variant has a deleterious effect on protein structure/function; Has not been previously published as pathogenic or benign to our knowledge; Variants in candidate genes are classified as variants of uncertain significance in accordance with ACMG guidelines (Richards et al., 2015)

NM_138383.3(MTSS2):c.1073C>T (p.Ser358Phe)

Gene: MTSS2 (MTSS I-BAR domain containing 2; minus strand). Cytogenetic location: 16q22.1.
Variant type: single nucleotide variant.
Coding change: c.1073C>T on transcript NM_138383.3 (MANE Select); coding-DNA position 1073, C replaced by T.
Protein change: p.Ser358Phe; replaces serine 358 with phenylalanine.
Molecular consequence: missense variant.
Genome position (GRCh38, 1-based): chr16:70,665,521, G>A on the plus strand (C>T on the coding strand, the complement: MTSS2 is on the minus strand). VCF-style: chr16-70665521-G-A. GRCh37 (hg19) VCF-style: chr16-70699424-G-A.
Other names: short protein forms S358F.
Identifiers: ClinVar variation 2580836 (VCV002580836.1), dbSNP rs2052681087, ClinGen allele CA396599851.
Genomic context (GRCh38, chr16:70,665,521, plus strand): 5'-CTGACCGAGGTGGGGGAGCTGCACTCGCTAACGGACTGGCAGGTTTCCGAGGCCTCGGAA[G>A]ATGCAGAGCTGGAGGACTTCTGCCATGCAGAGGCCAGCAGGCGGTTGCAGACAGAGGGGC-3'
Protein context (NP_612392.1, residues 348-368): ITSQKSSSSA[Ser358Phe]SEASETCQSV